The following is an entry in ClinVar:

NM_024719.4(GRTP1):c.466-1710A>T

Gene: GRTP1 (growth hormone regulated TBC protein 1; minus strand). Cytogenetic location: 13q34.
Variant type: single nucleotide variant.
Coding change: c.466-1710A>T on transcript NM_024719.4 (MANE Select); 1710 bases into the intron before coding-DNA position 466, A replaced by T.
Molecular consequence: intron variant.
Genome position (GRCh38, 1-based): chr13:113,346,669, T>A on the plus strand (A>T on the coding strand, the complement: GRTP1 is on the minus strand). VCF-style: chr13-113346669-T-A. GRCh37 (hg19) VCF-style: chr13-114000984-T-A.
Other names: c.466-1710A>T (NM_001286733.1, NM_001286732.2); c.232-1710A>T (NM_001411029.1).
Identifiers: ClinVar variation 2643997 (VCV002643997.24), dbSNP rs1382893288, ClinGen allele CA612715743.

ClinVar aggregate classification (germline): Likely benign (1 of 4 stars; one submission).

gnomAD v4.1: 121 of 178 alleles (68%); highest among the groups gnomAD compares: African/African-American, 82%; 60 homozygotes.

Submission:

CeGaT Center for Human Genetics Tuebingen
Classification: Likely benign. Last evaluated: 2022-12-01. Review status: criteria provided, single submitter. Criteria: CeGaT Center For Human Genetics Tuebingen Variant Classification Criteria Version 2. Collection method: clinical testing. Allele origin: germline. Affected: yes. Observed: 3 variant alleles.
Comment: GRTP1: BS2